The following is an entry in ClinVar:

ClinVar aggregate classification (germline): Likely benign. Review status: criteria provided, multiple submitters, no conflicts (2 of 4 stars). 3 submissions from 3 submitters: Likely benign (3). Last evaluated 2025-12-22.

Conditions:
Hereditary cancer-predisposing syndrome. Also called: Hereditary Cancer Syndrome; Neoplastic Syndromes, Hereditary; Tumor predisposition; Hereditary neoplastic syndrome. Identifiers: Orphanet 140162, MedGen C0027672, MeSH D009386, MONDO:0015356.
BAP1-related tumor predisposition syndrome (TPDS1). Also called: Tumor susceptibility linked to germline BAP1 mutations; BAP1 tumor predisposition syndrome; COMMON Syndrome; TUMOR PREDISPOSITION SYNDROME 1. Identifiers: Orphanet 289539, MedGen C3280492, MONDO:0013692, OMIM 614327.

Allele frequency attached by ClinVar (database versions not stated): gnomAD exomes below 0.00001 and 0.00001; ExAC 0.00001; gnomAD 0.00001; TOPMed 0.00001.
gnomAD v4.1: 16 of 1,614,020 alleles (0.00099%); highest among the groups gnomAD compares: Admixed American, 0.0017%; no homozygotes.

Submissions (3):

Labcorp Genetics (formerly Invitae), Labcorp
Classification: Likely benign for BAP1-related tumor predisposition syndrome. Last evaluated: 2025-12-22. Review status: criteria provided, single submitter. Criteria: Invitae Variant Classification Sherloc (09022015). Collection method: clinical testing. Allele origin: germline.

Myriad Genetics, Inc.
Classification: Likely benign for BAP1-related tumor predisposition syndrome. Last evaluated: 2024-07-12. Review status: criteria provided, single submitter. Criteria: Myriad Autosomal Dominant, Autosomal Recessive and X-Linked Classification Criteria (2023). Collection method: clinical testing. Allele origin: unknown.
Comment: This variant is considered likely benign. This variant is intronic and is not expected to impact mRNA splicing.

Color Diagnostics, LLC DBA Color Health
Classification: Likely benign for Hereditary cancer-predisposing syndrome. Last evaluated: 2016-07-28. Review status: criteria provided, single submitter. Criteria: ACMG Guidelines, 2015. Collection method: clinical testing. Allele origin: germline.

NM_004656.4(BAP1):c.376-20C>T

Gene: BAP1 (BRCA1 associated deubiquitinase 1; minus strand). Cytogenetic location: 3p21.1.
Variant type: single nucleotide variant.
Coding change: c.376-20C>T on transcript NM_004656.4 (MANE Select); 20 bases into the intron before coding-DNA position 376, C replaced by T.
Molecular consequence: intron variant.
Genome position (GRCh38, 1-based): chr3:52,407,480, G>A on the plus strand (C>T on the coding strand, the complement: BAP1 is on the minus strand). VCF-style: chr3-52407480-G-A. GRCh37 (hg19) VCF-style: chr3-52441496-G-A.
Identifiers: ClinVar variation 490865 (VCV000490865.12), dbSNP rs763068204, ClinGen allele CA2437100.
Genomic context (GRCh38, chr3:52,407,480, plus strand): 5'-TTGGCCAACTCCGGGGCATTGCCAATCGCATATCCTTTGCTCTACGGGGAAGAAAATAAG[G>A]CCGTATCAGAATAATTTCTCCTCAGGTAGGACTATGGGTGGAAGGCAAAGCTTCAGAGAG-3'